The following is an entry in ClinVar:

NM_016058.5(TPRKB):c.247C>G (p.Leu83Val)

Gene: TPRKB (TP53RK binding protein; minus strand). Cytogenetic location: 2p13.1.
Variant type: single nucleotide variant.
Coding change: c.247C>G on transcript NM_016058.5 (MANE Select); coding-DNA position 247, C replaced by G.
Protein change: p.Leu83Val; replaces leucine 83 with valine.
Molecular consequence: missense variant.
Genome position (GRCh38, 1-based): chr2:73,732,180, G>C on the plus strand (C>G on the coding strand, the complement: TPRKB is on the minus strand). VCF-style: chr2-73732180-G-C. GRCh37 (hg19) VCF-style: chr2-73959307-G-C.
Other names: c.364C>G, p.Leu122Val (NM_001330386.2, NM_001330387.2); c.247C>G, p.Leu83Val (NM_001330388.2, NM_001330389.2); c.193C>G, p.Leu65Val (NM_001330390.2); c.148C>G, p.Leu50Val (NM_001330391.2, NM_001330392.2); short protein forms L122V, L50V, L65V, L83V.
Identifiers: ClinVar variation 3687357 (VCV003687357.2).

ClinVar aggregate classification (germline): Uncertain significance (1 of 4 stars; one submission).

gnomAD v4.1: 3 of 1,613,526 alleles (0.00019%); highest among the groups gnomAD compares: Admixed American, 0.0017%; no homozygotes.

Submission:

Labcorp Genetics (formerly Invitae), Labcorp
Classification: Uncertain significance. Last evaluated: 2024-12-05. Review status: criteria provided, single submitter. Criteria: Invitae Variant Classification Sherloc (09022015). Collection method: clinical testing. Allele origin: germline.
Comment: This sequence change replaces leucine, which is neutral and non-polar, with valine, which is neutral and non-polar, at codon 83 of the TPRKB protein (p.Leu83Val). This variant is not present in population databases (gnomAD no frequency). This variant has not been reported in the literature in individuals affected with TPRKB-related conditions. An algorithm developed to predict the effect of missense changes on protein structure and function (PolyPhen-2) suggests that this variant is likely to be disruptive. In summary, the available evidence is currently insufficient to determine the role of this variant in disease. Therefore, it has been classified as a Variant of Uncertain Significance.